The following is an entry in ClinVar:

NM_000203.5(IDUA):c.1145T>A (p.Leu382Ter)

Gene: IDUA (alpha-L-iduronidase; plus strand). Cytogenetic location: 4p16.3.
Variant type: single nucleotide variant.
Coding change: c.1145T>A on transcript NM_000203.5 (MANE Select); coding-DNA position 1145, T replaced by A.
Protein change: p.Leu382Ter; replaces leucine 382 with a stop codon.
Molecular consequence: nonsense. On other transcripts: non-coding transcript variant (1).
Genome position (GRCh38, 1-based): chr4:1,002,441, T>A. VCF-style: chr4-1002441-T-A. GRCh37 (hg19) VCF-style: chr4-996229-T-A.
Other names: c.749T>A, p.Leu250Ter (NM_001363576.1); short protein forms L250*, L382*.
Identifiers: ClinVar variation 1726199 (VCV001726199.2), dbSNP rs2534090101, ClinGen allele CA355963418.

ClinVar aggregate classification (germline): Likely pathogenic (1 of 4 stars; one submission).

Conditions:
Mucopolysaccharidosis, MPS-I-H/S. Also called: Mucopolysaccharidosis type IH/S. Identifiers: Orphanet 93476, MedGen C0086431, MONDO:0011759, OMIM 607015.

Submission:

Myriad Genetics, Inc.
Classification: Likely pathogenic for Mucopolysaccharidosis, MPS-I-H/S. Last evaluated: 2021-12-09. Review status: criteria provided, single submitter. Criteria: Myriad Women's Health Autosomal Recessive and X-Linked Classification Criteria (2021). Collection method: clinical testing. Allele origin: unknown.
Comment: NM_000203.3(IDUA):c.1145T>A(L382*) is expected to be pathogenic in the context of mucopolysaccharidosis type I. This variant is predicted to lead to an abnormal or absent protein product due to the creation of a premature termination codon in IDUA, a gene where loss-of-function variants are known to be pathogenic. Please note: this variant was assessed in the context of healthy population screening.